The following is an entry in ClinVar:

NM_006767.4(LZTR1):c.30_31del (p.Gln10fs)

Genes: LZTR1 (leucine zipper like post translational regulator 1; plus strand), LOC130067016 (ATAC-STARR-seq lymphoblastoid silent region 13504; plus strand). Cytogenetic location: 22q11.21.
Variant type: Deletion.
Coding change: c.30_31del on transcript NM_006767.4 (MANE Select); coding-DNA positions 30 to 31, 2 bases deleted (GA; older notation c.30_31delGA).
Protein change: p.Gln10fs; shifts the reading frame from glutamine 10.
Molecular consequence: frameshift variant.
Genome position (GRCh38, 1-based): chr22:20,982,401-20,982,402, GA deleted; deleting any 2 consecutive bases within chr22:20,982,400-20,982,402 gives the same sequence; the c. name uses the placement nearest the transcript's 3' end. VCF-style (leftmost placement, unchanged base first): chr22-20982399-CAG-C. GRCh37 (hg19) VCF-style: chr22-21336688-CAG-C.
Other names: short protein forms Q10fs.
Identifiers: ClinVar variation 3992862 (VCV003992862.1).

ClinVar aggregate classification (germline): Pathogenic (1 of 4 stars; one submission).

Conditions:
Cardiovascular phenotype. Identifiers: MedGen CN230736.
Hereditary cancer-predisposing syndrome. Also called: Tumor predisposition; Hereditary neoplastic syndrome; Neoplastic Syndromes, Hereditary; Hereditary Cancer Syndrome. Identifiers: Orphanet 140162, MedGen C0027672, MeSH D009386, MONDO:0015356.

Submission:

Ambry Genetics
Classification: Pathogenic for Cardiovascular phenotype; Hereditary cancer-predisposing syndrome. Last evaluated: 2025-06-02. Review status: criteria provided, single submitter. Criteria: Ambry Variant Classification Scheme 2023. Collection method: clinical testing. Allele origin: germline.
Comment: The c.30_31delGA pathogenic mutation, located in coding exon 1 of the LZTR1 gene, results from a deletion of two nucleotides at nucleotide positions 30 to 31, causing a translational frameshift with a predicted alternate stop codon (p.Q10Hfs*23). This variant is considered to be rare based on population cohorts in the Genome Aggregation Database (gnomAD). This alteration is expected to result in loss of function by premature protein truncation or nonsense-mediated mRNA decay. Loss-of-function variants in LZTR1 are related to an increased risk for schwannomas and autosomal recessive Noonan syndrome; however, such associations with autosomal dominant Noonan syndrome have not been observed (Piotrowski A et al. Nat Genet. 2014 Feb;46:182-7; Yamamoto GL et al. J Med Genet. 2015 Jun;52:413-21; Johnston JJ et al. Genet Med. 2018 10;20:1175-1185). Based on the supporting evidence, this variant is pathogenic for an increased risk of LZTR1-related schwannomatosis (SWN) and would be expected to cause autosomal recessive Noonan syndrome when present along with a second pathogenic or likely pathogenic variant on the other allele; however, the association of this alteration with autosomal dominant Noonan syndrome is unlikely.